The following is an entry in ClinVar:

ClinVar aggregate classification (germline): Uncertain significance. Review status: criteria provided, multiple submitters, no conflicts (2 of 4 stars). 2 submissions from 2 submitters: Uncertain significance (2). Last evaluated 2025-08-17.

Conditions:
Hereditary cancer-predisposing syndrome. Also called: Neoplastic Syndromes, Hereditary; Tumor predisposition; Hereditary neoplastic syndrome; Hereditary Cancer Syndrome. Identifiers: Orphanet 140162, MedGen C0027672, MeSH D009386, MONDO:0015356.

Submissions (2):

Labcorp Genetics (formerly Invitae), Labcorp
Classification: Uncertain significance. Last evaluated: 2025-08-17. Review status: criteria provided, single submitter. Criteria: Invitae Variant Classification Sherloc (09022015). Collection method: clinical testing. Allele origin: germline.
Comment: This sequence change replaces threonine, which is neutral and polar, with asparagine, which is neutral and polar, at codon 889 of the POLE protein (p.Thr889Asn). This variant is not present in population databases (gnomAD no frequency). This variant has not been reported in the literature in individuals affected with POLE-related conditions. ClinVar contains an entry for this variant (Variation ID: 641812). Invitae Evidence Modeling of protein sequence and biophysical properties (such as structural, functional, and spatial information, amino acid conservation, physicochemical variation, residue mobility, and thermodynamic stability) indicates that this missense variant is not expected to disrupt POLE protein function with a negative predictive value of 80%. In summary, the available evidence is currently insufficient to determine the role of this variant in disease. Therefore, it has been classified as a Variant of Uncertain Significance.

Ambry Genetics
Classification: Uncertain significance for Hereditary cancer-predisposing syndrome. Last evaluated: 2025-06-19. Review status: criteria provided, single submitter. Criteria: Ambry Variant Classification Scheme 2023. Collection method: clinical testing. Allele origin: germline.
Comment: The p.T889N variant (also known as c.2666C>A), located in coding exon 23 of the POLE gene, results from a C to A substitution at nucleotide position 2666. The threonine at codon 889 is replaced by asparagine, an amino acid with similar properties. This amino acid position is conserved. In addition, this alteration is predicted to be tolerated by in silico analysis. Since supporting evidence is limited at this time, the clinical significance of this alteration remains unclear.

NM_006231.4(POLE):c.2666C>A (p.Thr889Asn)

Gene: POLE (DNA polymerase epsilon, catalytic subunit; minus strand). Cytogenetic location: 12q24.33.
Variant type: single nucleotide variant.
Coding change: c.2666C>A on transcript NM_006231.4 (MANE Select); coding-DNA position 2666, C replaced by A.
Protein change: p.Thr889Asn; replaces threonine 889 with asparagine.
Molecular consequence: missense variant.
Genome position (GRCh38, 1-based): chr12:132,664,044, G>T on the plus strand (C>A on the coding strand, the complement: POLE is on the minus strand). VCF-style: chr12-132664044-G-T. GRCh37 (hg19) VCF-style: chr12-133240630-G-T.
Other names: short protein forms T889N.
Identifiers: ClinVar variation 641812 (VCV000641812.12), dbSNP rs768534409, ClinGen allele CA387395276.